The following is an entry in ClinVar:

ClinVar aggregate classification (germline): Benign. Review status: criteria provided, multiple submitters, no conflicts (2 of 4 stars). 8 submissions from 8 submitters: Benign (7). 1 of the submissions does not count toward it. Last evaluated 2026-02-04.

Conditions:
Methylmalonic acidemia with homocystinuria, type cblX (MAHCX). Also called: INTELLECTUAL DEVELOPMENTAL DISORDER, X-LINKED 3. Identifiers: Orphanet 369962, MedGen C0796208, MONDO:0010657, OMIM 309541.

Allele frequency attached by ClinVar (database versions not stated): gnomAD exomes 0.18622 and 0.30026; TOPMed 0.20030; ESP Exome Variant Server 0.11584; ExAC 0.28817; 1000 Genomes Project 30x 0.37586; gnomAD 0.15977 and 0.17925; 1000 Genomes Project 0.38411.
gnomAD v4.1: 225,969 of 1,205,875 alleles (19%); highest among the groups gnomAD compares: East Asian, 74%; 23,120 homozygotes.

Submissions (8):

Labcorp Genetics (formerly Invitae), Labcorp
Classification: Benign for Methylmalonic acidemia with homocystinuria, type cblX. Last evaluated: 2026-02-04. Review status: criteria provided, single submitter. Criteria: Invitae Variant Classification Sherloc (09022015). Collection method: clinical testing. Allele origin: germline.

Women's Health and Genetics/Laboratory Corporation of America, LabCorp
Classification: Benign. Last evaluated: 2025-11-14. Review status: criteria provided, single submitter. Criteria: LabCorp Variant Classification Summary - May 2015. Collection method: clinical testing. Allele origin: germline.

Mayo Clinic Laboratories, Mayo Clinic
Classification: Benign. Last evaluated: 2021-11-19. Review status: criteria provided, single submitter. Criteria: ACMG Guidelines, 2015. Collection method: clinical testing. Allele origin: germline. Observed: 228 variant alleles.

Genome-Nilou Lab
Classification: Benign for Methylmalonic acidemia with homocystinuria, type cblX. Last evaluated: 2021-08-10. Review status: criteria provided, single submitter. Criteria: ACMG Guidelines, 2015. Collection method: clinical testing. Allele origin: germline. Affected: no.

GeneDx
Classification: Benign. Last evaluated: 2015-12-02. Review status: criteria provided, single submitter. Criteria: GeneDx Variant Classification (06012015). Collection method: clinical testing. Allele origin: germline. Affected: yes.
Comment: This variant is considered likely benign or benign based on one or more of the following criteria: it is a conservative change, it occurs at a poorly conserved position in the protein, it is predicted to be benign by multiple in silico algorithms, and/or has population frequency not consistent with disease.

Eurofins Ntd Llc (ga)
Classification: Benign. Last evaluated: 2014-06-02. Review status: criteria provided, single submitter. Criteria: EGL Classification Definitions 2015. Collection method: clinical testing. Allele origin: germline. Observed: 1 variant allele, 1 hemizygote.

Breakthrough Genomics
Classification: Benign. Review status: criteria provided, single submitter. Criteria: ACMG Guidelines, 2015. Collection method: not provided. Allele origin: germline. Inheritance: X-linked inheritance. Affected: yes.

Genetic Services Laboratory, University of Chicago
Classification: Likely benign for AllHighlyPenetrant. Review status: no assertion criteria provided. Collection method: clinical testing. Allele origin: germline. Inheritance: X-linked inheritance. Not counted in ClinVar's aggregate classification.
Comment: Likely benign based on allele frequency in 1000 Genomes Project or ESP global frequency and its presence in a patient with a rare or unrelated disease phenotype. NOT Sanger confirmed.

NM_005334.3(HCFC1):c.2283C>G (p.Thr761=)

Gene: HCFC1 (host cell factor C1; minus strand). Cytogenetic location: Xq28.
Variant type: single nucleotide variant.
Coding change: c.2283C>G on transcript NM_005334.3 (MANE Select); coding-DNA position 2283, C replaced by G.
Protein change: p.Thr761=; no amino-acid change (threonine 761 retained).
Molecular consequence: synonymous variant.
Genome position (GRCh38, 1-based): chrX:153,957,384, G>C on the plus strand (C>G on the coding strand, the complement: HCFC1 is on the minus strand). VCF-style: chrX-153957384-G-C. GRCh37 (hg19) VCF-style: chrX-153222835-G-C.
Other names: p.Thr761=.
Identifiers: ClinVar variation 129218 (VCV000129218.23), dbSNP rs2071134, ClinGen allele CA153068.
Genomic context (GRCh38, chrX:153,957,384, plus strand): 5'-CGCCTGGGTGATGATGGCCGACATGGGGATGGTTTTGATGATGGTGGTCGTGCCGGGCTT[G>C]GTGGTACTGGGGGAGACGCTGCTGATGCCCAGGATGGTGGGCTTGGTCCCCGCCCCACTG-3'
Protein context (NP_005325.2, residues 751-771): LGISSVSPST[Thr761=]KPGTTTIIKT